The following is an entry in ClinVar:

ClinVar aggregate classification (germline): Uncertain significance. Review status: criteria provided, multiple submitters, no conflicts (2 of 4 stars). 3 submissions from 3 submitters: Uncertain significance (2). 1 of the submissions does not count toward it. Last evaluated 2022-08-02.

Conditions:
Neuronal ceroid lipofuscinosis 8 (CLN8). Also called: CLN8-Related Neuronal Ceroid-Lipofuscinosis. Identifiers: Orphanet 168491, Orphanet 228354, Orphanet 79264, MedGen C1838570, MONDO:0010830, OMIM 600143.
Neuronal ceroid lipofuscinosis. Also called: Neuronal Ceroid Lipofuscinoses. Identifiers: Orphanet 216, Orphanet 79263, MedGen C0027877, MONDO:0016295. Disease mechanism: loss of function.

Allele frequency attached by ClinVar (database versions not stated): ExAC 0.00001; gnomAD 0.00001 and 0.00002; gnomAD exomes 0.00001; TOPMed 0.00002.
gnomAD v4.1: 19 of 1,613,962 alleles (0.0012%); highest among the groups gnomAD compares: South Asian, 0.012%; no homozygotes.

Submissions (3):

Labcorp Genetics (formerly Invitae), Labcorp
Classification: Uncertain significance for Neuronal ceroid lipofuscinosis. Last evaluated: 2022-08-02. Review status: criteria provided, single submitter. Criteria: Invitae Variant Classification Sherloc (09022015). Collection method: clinical testing. Allele origin: germline.
Comment: This sequence change replaces arginine, which is basic and polar, with glutamine, which is neutral and polar, at codon 282 of the CLN8 protein (p.Arg282Gln). This variant is present in population databases (rs766172825, gnomAD 0.003%). This variant has not been reported in the literature in individuals affected with CLN8-related conditions. ClinVar contains an entry for this variant (Variation ID: 422258). Advanced modeling of protein sequence and biophysical properties (such as structural, functional, and spatial information, amino acid conservation, physicochemical variation, residue mobility, and thermodynamic stability) performed at Invitae indicates that this missense variant is not expected to disrupt CLN8 protein function. In summary, the available evidence is currently insufficient to determine the role of this variant in disease. Therefore, it has been classified as a Variant of Uncertain Significance.

GeneDx
Classification: Uncertain significance. Last evaluated: 2019-12-10. Review status: criteria provided, single submitter. Criteria: GeneDx Variant Classification Process June 2021. Collection method: clinical testing. Allele origin: germline. Affected: yes.
Comment: Not observed at a significant frequency in large population cohorts (Lek et al., 2016); In silico analysis supports that this missense variant does not alter protein structure/function; Has not been previously published as pathogenic or benign to our knowledge

Natera, Inc.
Classification: Uncertain significance for Neuronal ceroid lipofuscinosis 8. Last evaluated: 2020-09-16. Review status: no assertion criteria provided. Collection method: clinical testing. Allele origin: germline. Not counted in ClinVar's aggregate classification.

NM_018941.4(CLN8):c.845G>A (p.Arg282Gln)

Gene: CLN8 (CLN8 transmembrane ER and ERGIC protein; plus strand). Cytogenetic location: 8p23.3.
Variant type: single nucleotide variant.
Coding change: c.845G>A on transcript NM_018941.4 (MANE Select); coding-DNA position 845, G replaced by A.
Protein change: p.Arg282Gln; replaces arginine 282 with glutamine.
Molecular consequence: missense variant.
Genome position (GRCh38, 1-based): chr8:1,780,551, G>A. VCF-style: chr8-1780551-G-A. GRCh37 (hg19) VCF-style: chr8-1728717-G-A.
Other names: short protein forms R282Q.
Identifiers: ClinVar variation 422258 (VCV000422258.8), dbSNP rs766172825, ClinGen allele CA4599367.